The following is an entry in ClinVar:

NM_152703.5(SAMD9L):c.350C>A (p.Ser117Tyr)

Gene: SAMD9L (sterile alpha motif domain containing 9 like; minus strand). Cytogenetic location: 7q21.2.
Variant type: single nucleotide variant.
Coding change: c.350C>A on transcript NM_152703.5 (MANE Select); coding-DNA position 350, C replaced by A.
Protein change: p.Ser117Tyr; replaces serine 117 with tyrosine.
Molecular consequence: missense variant.
Genome position (GRCh38, 1-based): chr7:93,135,622, G>T on the plus strand (C>A on the coding strand, the complement: SAMD9L is on the minus strand). VCF-style: chr7-93135622-G-T. GRCh37 (hg19) VCF-style: chr7-92764935-G-T.
Other names: c.350C>A, p.Ser117Tyr (NM_001303496.3, NM_001303497.3, NM_001303498.3 and 5 more transcripts); short protein forms S117Y.
Identifiers: ClinVar variation 4826167 (VCV004826167.1).

ClinVar aggregate classification (germline): Uncertain significance (1 of 4 stars; one submission).

Conditions:
Inborn genetic diseases. Identifiers: MedGen C0950123, MeSH D030342.

Submission:

Ambry Genetics
Classification: Uncertain significance for Inborn genetic diseases. Last evaluated: 2026-02-23. Review status: criteria provided, single submitter. Criteria: Ambry Variant Classification Scheme 2023. Collection method: clinical testing. Allele origin: germline.
Comment: The p.S117Y variant (also known as c.350C>A), located in coding exon 1 of the SAMD9L gene, results from a C to A substitution at nucleotide position 350. The serine at codon 117 is replaced by tyrosine, an amino acid with dissimilar properties. This amino acid position is conserved. In addition, this alteration is predicted to be tolerated by in silico analysis. Based on the available evidence, the clinical significance of this variant remains unclear.